The following is an entry in ClinVar:

ClinVar aggregate classification (germline): Uncertain significance (1 of 4 stars; one submission).

gnomAD v4.1: 15 of 1,613,646 alleles (0.00093%); highest among the groups gnomAD compares: Non-Finnish European, 0.0011%; no homozygotes.

Submission:

CeGaT Center for Human Genetics Tuebingen
Classification: Uncertain significance. Last evaluated: 2024-08-01. Review status: criteria provided, single submitter. Criteria: CeGaT Center For Human Genetics Tuebingen Variant Classification Criteria Version 2. Collection method: clinical testing. Allele origin: germline. Affected: yes. Observed: 1 variant allele.
Comment: KRIT1: PM2, BP1, BP4

NM_194454.3(KRIT1):c.1467A>T (p.Glu489Asp)

Gene: KRIT1 (KRIT1 ankyrin repeat containing; minus strand). Cytogenetic location: 7q21.2.
Variant type: single nucleotide variant.
Coding change: c.1467A>T on transcript NM_194454.3 (MANE Select); coding-DNA position 1467, A replaced by T.
Protein change: p.Glu489Asp; replaces glutamic acid 489 with aspartic acid.
Molecular consequence: missense variant.
Genome position (GRCh38, 1-based): chr7:92,221,998, T>A on the plus strand (A>T on the coding strand, the complement: KRIT1 is on the minus strand). VCF-style: chr7-92221998-T-A. GRCh37 (hg19) VCF-style: chr7-91851312-T-A.
Other names: c.1467A>T, p.Glu489Asp (NM_001350694.1, NM_001350695.1, NM_001350696.1 and 26 more transcripts); c.1323A>T, p.Glu441Asp (NM_001013406.2, NM_001350669.1, NM_001350670.1); c.753A>T, p.Glu251Asp (NM_001350671.1); short protein forms E251D, E441D, E489D.
Identifiers: ClinVar variation 3341937 (VCV003341937.16).